The following is an entry in ClinVar:

ClinVar aggregate classification (germline): Benign. Review status: criteria provided, multiple submitters, no conflicts (2 of 4 stars). 2 submissions from 2 submitters: Benign (2). Last evaluated 2018-06-14.

Allele frequency attached by ClinVar (database versions not stated): gnomAD 0.74283 and 0.74369; TOPMed 0.74466; 1000 Genomes Project 0.78235; 1000 Genomes Project 30x 0.78389.
gnomAD v4.1: 113,311 of 152,316 alleles (74%); highest among the groups gnomAD compares: East Asian, 81%; 42,362 homozygotes.

Submissions (2):

GeneDx
Classification: Benign. Last evaluated: 2018-06-14. Review status: criteria provided, single submitter. Criteria: GeneDx Variant Classification (06012015). Collection method: clinical testing. Allele origin: germline. Affected: yes.
Comment: This variant is considered likely benign or benign based on one or more of the following criteria: it is a conservative change, it occurs at a poorly conserved position in the protein, it is predicted to be benign by multiple in silico algorithms, and/or has population frequency not consistent with disease.

Breakthrough Genomics
Classification: Benign. Review status: criteria provided, single submitter. Criteria: ACMG Guidelines, 2015. Collection method: not provided. Allele origin: germline. Inheritance: Autosomal dominant inheritance. Affected: yes.

NM_007078.3(LDB3):c.322-197C>G

Gene: LDB3 (LIM domain binding 3; plus strand). Cytogenetic location: 10q23.2.
Variant type: single nucleotide variant.
Coding change: c.322-197C>G on transcript NM_007078.3 (MANE Select); 197 bases into the intron before coding-DNA position 322, C replaced by G.
Molecular consequence: intron variant.
Genome position (GRCh38, 1-based): chr10:86,681,239, C>G. VCF-style: chr10-86681239-C-G. GRCh37 (hg19) VCF-style: chr10-88440996-C-G.
Other names: c.322-197C>G (NM_001368064.1, NM_001368063.1, NM_001171610.2 and 3 more transcripts); c.321+1082C>G (NM_001368068.1, NM_001368066.1, NM_001080114.2 and 2 more transcripts).
Identifiers: ClinVar variation 672014 (VCV000672014.2), dbSNP rs2248643, ClinGen allele CA13348331.